The following is an entry in ClinVar:

ClinVar aggregate classification (germline): Likely benign. Review status: criteria provided, multiple submitters, no conflicts (2 of 4 stars). 2 submissions from 2 submitters: Likely benign (2). Last evaluated 2025-04-24.

Conditions:
Tuberous sclerosis 1 (TSC1). Identifiers: Orphanet 805, MedGen C1854465, MONDO:0008612, OMIM 191100.

Submissions (2):

Myriad Genetics, Inc.
Classification: Likely benign for Tuberous sclerosis 1. Last evaluated: 2025-04-24. Review status: criteria provided, single submitter. Criteria: Myriad Autosomal Dominant, Autosomal Recessive and X-Linked Classification Criteria (2023). Collection method: clinical testing. Allele origin: unknown.
Comment: This variant is considered likely benign. This variant is intronic and is not expected to impact mRNA splicing.

Labcorp Genetics (formerly Invitae), Labcorp
Classification: Likely benign for Tuberous sclerosis 1. Last evaluated: 2023-06-09. Review status: criteria provided, single submitter. Criteria: Invitae Variant Classification Sherloc (09022015). Collection method: clinical testing. Allele origin: germline.

NM_000368.5(TSC1):c.1998-11dup

Gene: TSC1 (TSC complex subunit 1; minus strand). Cytogenetic location: 9q34.13.
Variant type: Duplication.
Coding change: c.1998-11dup on transcript NM_000368.5 (MANE Select); 11 bases into the intron before coding-DNA position 1998, one base duplicated (T; older notation c.1998-11dupT).
Molecular consequence: intron variant.
Genome position (GRCh38, 1-based): chr9:132,904,463, A duplicated on the plus strand (T on the coding strand, the reverse complement: TSC1 is on the minus strand); the first of 3 consecutive A bases (chr9:132,904,463-132,904,465); duplicating any one gives the same sequence. VCF-style (leftmost placement, unchanged base first): chr9-132904462-G-GA. GRCh37 (hg19) VCF-style: chr9-135779849-G-GA.
Other names: c.1998-9dupT (NM_000368.4); c.1635-11dup (NM_001362177.2); c.1845-11dup (NM_001162427.2); c.1995-11dup (NM_001162426.2).
Identifiers: ClinVar variation 534501 (VCV000534501.9), dbSNP rs1388433086, ClinGen allele CA591048369.